The following is an entry in ClinVar:

ClinVar aggregate classification (germline): Pathogenic (1 of 4 stars; one submission).

Conditions:
Hereditary cancer-predisposing syndrome. Also called: Neoplastic Syndromes, Hereditary; Tumor predisposition; Hereditary Cancer Syndrome; Hereditary neoplastic syndrome. Identifiers: Orphanet 140162, MedGen C0027672, MeSH D009386, MONDO:0015356.

Submission:

Ambry Genetics
Classification: Pathogenic for Hereditary cancer-predisposing syndrome. Last evaluated: 2025-10-31. Review status: criteria provided, single submitter. Criteria: Ambry Variant Classification Scheme 2023. Collection method: clinical testing. Allele origin: germline.
Comment: The c.1203_1204delGT pathogenic mutation, located in coding exon 8 of the MSH3 gene, results from a deletion of two nucleotides at nucleotide positions 1203 to 1204, causing a translational frameshift with a predicted alternate stop codon (p.F402*). This variant is considered to be rare based on population cohorts in the Genome Aggregation Database (gnomAD). This alteration is expected to result in loss of function by premature protein truncation or nonsense-mediated mRNA decay. As such, this alteration is interpreted as a disease-causing mutation.

NM_002439.5(MSH3):c.1203_1204del (p.Val401_Phe402insTer)

Gene: MSH3 (mutS homolog 3; plus strand). Cytogenetic location: 5q14.1.
Variant type: Microsatellite.
Coding change: c.1203_1204del on transcript NM_002439.5 (MANE Select); coding-DNA positions 1203 to 1204, 2 bases deleted (GT; older notation c.1203_1204delGT).
Protein change: p.Val401_Phe402insTer.
Molecular consequence: frameshift variant.
Genome position (GRCh38, 1-based): chr5:80,678,956-80,678,957, GT deleted; deleting any 2 consecutive bases within chr5:80,678,953-80,678,957 gives the same sequence; the c. name uses the placement nearest the transcript's 3' end. VCF-style (leftmost placement, unchanged base first): chr5-80678952-TTG-T. GRCh37 (hg19) VCF-style: chr5-79974771-TTG-T.
Identifiers: ClinVar variation 4654675 (VCV004654675.1).